The following is an entry in ClinVar:

NM_001042492.3(NF1):c.731-1G>T

Gene: NF1 (neurofibromin 1; plus strand). Cytogenetic location: 17q11.2.
Variant type: single nucleotide variant.
Coding change: c.731-1G>T on transcript NM_001042492.3 (MANE Select); the canonical splice acceptor site of the intron before coding-DNA position 731, G replaced by T.
Molecular consequence: splice acceptor variant.
Genome position (GRCh38, 1-based): chr17:31,182,507, G>T. VCF-style: chr17-31182507-G-T. GRCh37 (hg19) VCF-style: chr17-29509525-G-T.
Other names: NC_000017.10:g.29509525G>T; c.731-1G>T (NM_000267.4, NM_001128147.3).
Identifiers: ClinVar variation 996510 (VCV000996510.7), dbSNP rs1555608928, ClinGen allele CA398990448.

ClinVar aggregate classification (germline): Pathogenic/Likely pathogenic. Review status: criteria provided, multiple submitters, no conflicts (2 of 4 stars). 2 submissions from 2 submitters: Pathogenic (1); Likely pathogenic (1). Last evaluated 2025-03-14.

Conditions:
Hereditary cancer-predisposing syndrome. Also called: Neoplastic Syndromes, Hereditary; Hereditary neoplastic syndrome; Hereditary Cancer Syndrome; Tumor predisposition. Identifiers: Orphanet 140162, MedGen C0027672, MeSH D009386, MONDO:0015356.
Cardiovascular phenotype. Identifiers: MedGen CN230736.
Neurofibromatosis, type 1 (NF1). Also called: Neurofibromatosis, type I; VON RECKLINGHAUSEN DISEASE; NEUROFIBROMATOSIS, TYPE I, SOMATIC; Peripheral type neurofibromatosis. Identifiers: Orphanet 636, MedGen C0027831, MONDO:0018975, OMIM 162200. Disease mechanism: loss of function.

Submissions (3):

Ambry Genetics
Classification: Likely pathogenic for Cardiovascular phenotype; Hereditary cancer-predisposing syndrome. Last evaluated: 2025-03-14. Review status: criteria provided, single submitter. Criteria: Ambry Variant Classification Scheme 2023. Collection method: clinical testing. Allele origin: germline.
Comment: The c.731-1G>T intronic variant results from a G to T substitution one nucleotide upstream from coding exon 8 of the NF1 gene. Alterations that disrupt the canonical splice site are expected to result in aberrant splicing. In silico splice site analysis predicts that this alteration will weaken the native splice acceptor site and will result in the creation or strengthening of a novel splice acceptor site. The resulting transcript is predicted to be in-frame and is not expected to trigger nonsense-mediated mRNAdecay; however, direct evidence is unavailable. The exact functional effect of the missing amino acids is unknown; however, the impacted region is critical for protein function (Ambry internal data). This alteration was detected in 1/374 patients with a diagnosis or clinical suspicion of neurofibromatosis type 1 (NF1) (Pros E et al. Hum Mutat. 2008 Sep;29:E173-93). Other variant(s) impacting the same acceptor site have been identified in individual(s) with features consistent with neurofibromatosis type 1 (NF1) (Kluwe L et al. J Med Genet. 2003 May;40:368-71; Leskel&auml; HV et al. Bone. 2009 Feb;44:243-50; Hutter S et al. Hum Genet. 2016 May;135:469-475; Zhu G et al. Orphanet J Rare Dis. 2019 09;14:221). This variant was not reported in population-based cohorts in the Genome Aggregation Database (gnomAD). This nucleotide position is highly conserved in available vertebrate species. As such, this alteration is classified as likely pathogenic.

Genome Diagnostics Laboratory, The Hospital for Sick Children
Classification: Pathogenic for Neurofibromatosis, type 1. Last evaluated: 2020-10-26. Review status: criteria provided, single submitter. Criteria: ACMG Guidelines, 2015. Collection method: clinical testing. Allele origin: germline. Affected: yes.

Dr. Peter K. Rogan Lab, Western University
No classification provided (evidence only). Condition: Ovarian serous cystadenocarcinoma. Review status: no classification provided. Collection method: in vitro. Allele origin: not applicable. Functional consequence: retained intron. Not counted in ClinVar's aggregate classification.

Literature cited by the submitters: PubMed 12746402 (cited by Ambry Genetics); PubMed 18546366 (cited by Ambry Genetics); PubMed 19061981 (cited by Ambry Genetics); PubMed 26969325 (cited by Ambry Genetics); PubMed 31533797 (cited by Ambry Genetics).